The following is an entry in ClinVar:

NM_005360.5(MAF):c.678CGG[10] (p.Gly237_Gly238dup)

Gene: MAF (MAF bZIP transcription factor; minus strand). Cytogenetic location: 16q23.2.
Variant type: Microsatellite.
Coding change: c.678CGG[10] on transcript NM_005360.5 (MANE Select); ten copies in a row of the 3-base unit CGG starting at c.678; the reference has eight copies in a row; two copies, 6 bases duplicated; also written c.696_701dup.
Protein change: p.Gly237_Gly238dup.
Molecular consequence: inframe insertion.
Genome position (GRCh38, 1-based): chr16:79,599,202-79,599,207, CCGCCG duplicated on the plus strand (CGGCGG on the coding strand, the reverse complement: MAF is on the minus strand); duplicating any 6 consecutive bases within chr16:79,599,202-79,599,227 gives the same sequence; the position shown is the placement nearest the transcript's 3' end. VCF-style (leftmost placement, unchanged base first): chr16-79599201-T-TCCGCCG. GRCh37 (hg19) VCF-style: chr16-79633098-T-TCCGCCG.
Other names: c.696_701dup (NM_005360.5); c.678CGG[10], p.Gly237_Gly238dup (NM_001031804.3); c.696_701dup6 (NM_005360.4).
Identifiers: ClinVar variation 576664 (VCV000576664.38), dbSNP rs887468453, ClinGen allele CA624015128.
Genomic context (GRCh38, chr16:79,599,201, plus strand): 5'-GCCGCCGGCGGCGTGGTGCGGGTGCAGGGCGCCCCCCGCCCCCGCCGCGCCCCCGCCGCC[T>TCCGCCG]CCGCCGCCGCCGCCGCCGCCGCCGCCCCCAGCGCTGGCCGGGCCACCGCCGCCCGCGCCC-3'

ClinVar aggregate classification (germline): Likely benign. Review status: criteria provided, multiple submitters, no conflicts (2 of 4 stars). 5 submissions from 5 submitters: Likely benign (4). 1 of the submissions does not count toward it. Last evaluated 2026-04-01.

Conditions:
MAF-related disorder. Also called: MAF-related condition.
Cataract 21 multiple types. Also called: CATARACT 21, MULTIPLE TYPES, WITH OR WITHOUT MICROCORNEA; CATARACT 21, CERULEAN, WITH OR WITHOUT MICROCORNEA; CATARACT 21, MULTIPLE TYPES, WITH MICROCORNEA; Cataract, congenital, cerulean type, 4. Identifiers: Orphanet 91492, MedGen C1857768, MONDO:0012437, OMIM 610202.
Ayme-Gripp syndrome. Also called: Aymé-Gripp Syndrome. Identifiers: MedGen C1832812, MONDO:0010992, OMIM 601088.

Submissions (5):

CeGaT Center for Human Genetics Tuebingen
Classification: Likely benign. Last evaluated: 2026-04-01. Review status: criteria provided, single submitter. Criteria: CeGaT Center For Human Genetics Tuebingen Variant Classification Criteria Version 2. Collection method: clinical testing. Allele origin: germline. Affected: yes. Observed: 5 variant alleles.
Comment: MAF: BS1

Labcorp Genetics (formerly Invitae), Labcorp
Classification: Likely benign for Cataract 21 multiple types; Ayme-Gripp syndrome. Last evaluated: 2026-01-26. Review status: criteria provided, single submitter. Criteria: Invitae Variant Classification Sherloc (09022015). Collection method: clinical testing. Allele origin: germline.

Fulgent Genetics
Classification: Likely benign for Ayme-Gripp syndrome; Cataract 21 multiple types. Last evaluated: 2021-12-21. Review status: criteria provided, single submitter. Criteria: ACMG Guidelines, 2015. Collection method: clinical testing. Allele origin: unknown.

GeneDx
Classification: Likely benign. Last evaluated: 2020-05-28. Review status: criteria provided, single submitter. Criteria: GeneDx Variant Classification Process June 2021. Collection method: clinical testing. Allele origin: germline. Affected: yes.

PreventionGenetics, part of Exact Sciences
Classification: Likely benign for MAF-related condition. Last evaluated: 2022-05-04. Review status: no assertion criteria provided. Collection method: clinical testing. Allele origin: germline. Not counted in ClinVar's aggregate classification.
Comment: This variant is classified as likely benign based on ACMG/AMP sequence variant interpretation guidelines (Richards et al. 2015 PMID: 25741868, with internal and published modifications).